The following is an entry in ClinVar:

ClinVar aggregate classification (germline): Likely benign. Review status: criteria provided, multiple submitters, no conflicts (2 of 4 stars). 2 submissions from 2 submitters: Likely benign (2). Last evaluated 2026-06-01.

Conditions:
FOXC1-related disorder. Also called: FOXC1-related condition.
Axenfeld-Rieger syndrome type 3 (RIEG3). Also called: AXENFELD-RIEGER ANOMALY WITH CARDIAC DEFECTS AND/OR SENSORINEURAL HEARING LOSS. Identifiers: Orphanet 782, MedGen C2678503, MONDO:0011233, OMIM 602482.

Allele frequency attached by ClinVar (database versions not stated): gnomAD exomes 0.00001 and 0.00010; gnomAD 0.00004 and 0.00010; TOPMed 0.00005; 1000 Genomes Project 30x 0.00031; 1000 Genomes Project 0.00040.

Submissions (2):

PreventionGenetics, part of Exact Sciences
Classification: Likely benign for FOXC1-related condition. Last evaluated: 2026-06-01. Review status: criteria provided, single submitter. Criteria: ACMG Guidelines, 2015. Collection method: clinical testing. Allele origin: germline.
Comment: This variant is classified as likely benign based on ACMG/AMP sequence variant interpretation guidelines (Richards et al. 2015 PMID: 25741868, with internal and published modifications).

Labcorp Genetics (formerly Invitae), Labcorp
Classification: Likely benign for Axenfeld-Rieger syndrome type 3. Last evaluated: 2024-11-24. Review status: criteria provided, single submitter. Criteria: Invitae Variant Classification Sherloc (09022015). Collection method: clinical testing. Allele origin: germline.

NM_001453.3(FOXC1):c.915C>T (p.Ser305=)

Gene: FOXC1 (forkhead box C1; plus strand). Cytogenetic location: 6p25.3.
Variant type: single nucleotide variant.
Coding change: c.915C>T on transcript NM_001453.3 (MANE Select); coding-DNA position 915, C replaced by T.
Protein change: p.Ser305=; no amino-acid change (serine 305 retained).
Molecular consequence: synonymous variant.
Genome position (GRCh38, 1-based): chr6:1,611,360, C>T. VCF-style: chr6-1611360-C-T. GRCh37 (hg19) VCF-style: chr6-1611595-C-T.
Other names: c.915C>T (NM_001453.2).
Identifiers: ClinVar variation 1572544 (VCV001572544.9), dbSNP rs570694575, ClinGen allele CA3614833.